The following is an entry in ClinVar:

ClinVar aggregate classification (germline): Pathogenic/Likely pathogenic. Review status: criteria provided, multiple submitters, no conflicts (2 of 4 stars). 2 submissions from 2 submitters: Pathogenic (1); Likely pathogenic (1). Last evaluated 2025-02-19.

Conditions:
Deficiency of alpha-mannosidase (MANSA). Also called: LYSOSOMAL ALPHA-D-MANNOSIDASE DEFICIENCY; Alpha-Mannosidosis; Mannosidosis, alpha-, types I and II. Identifiers: Orphanet 61, MedGen C0024748, MONDO:0009561, OMIM 248500.

Submissions (2):

Natera, Inc.
Classification: Likely pathogenic for Alpha-mannosidosis. Last evaluated: 2025-02-19. Review status: criteria provided, single submitter. Criteria: Natera Variant Classification Schema (03/2026). Collection method: clinical testing. Allele origin: germline.
Comment: The c.1068dup variant in MAN2B1 is a frameshift variant predicted to shift the reading frame beginning at codon 357 and leads to a stop codon 19 codons downstream. This variant is expected to result in nonsense mediated decay, truncation, or a dysfunctional protein product. This variant is rare in the general population with a frequency below the threshold expected for the associated phenotype(s). Given the available evidence, this variant is classified as Likely Pathogenic.

Labcorp Genetics (formerly Invitae), Labcorp
Classification: Pathogenic for Deficiency of alpha-mannosidase. Last evaluated: 2023-06-18. Review status: criteria provided, single submitter. Criteria: Invitae Variant Classification Sherloc (09022015). Collection method: clinical testing. Allele origin: germline.
Comment: For these reasons, this variant has been classified as Pathogenic. ClinVar contains an entry for this variant (Variation ID: 850839). This variant has not been reported in the literature in individuals affected with MAN2B1-related conditions. This variant is not present in population databases (gnomAD no frequency). This sequence change creates a premature translational stop signal (p.Ala357Argfs*19) in the MAN2B1 gene. It is expected to result in an absent or disrupted protein product. Loss-of-function variants in MAN2B1 are known to be pathogenic (PMID: 9915946, 22161967).

Literature cited by the submitters: PubMed 9915946 (cited by Labcorp Genetics (formerly Invitae), Labcorp); PubMed 22161967 (cited by Labcorp Genetics (formerly Invitae), Labcorp).

NM_000528.4(MAN2B1):c.1068dup (p.Ala357fs)

Gene: MAN2B1 (mannosidase alpha class 2B member 1; minus strand). Cytogenetic location: 19p13.13.
Variant type: Duplication.
Coding change: c.1068dup on transcript NM_000528.4 (MANE Select); coding-DNA position 1068, one base duplicated (C; older notation c.1068dupC).
Protein change: p.Ala357fs; shifts the reading frame from alanine 357.
Molecular consequence: frameshift variant.
Genome position (GRCh38, 1-based): chr19:12,658,469, G duplicated on the plus strand (C on the coding strand, the reverse complement: MAN2B1 is on the minus strand); the first of 5 consecutive G bases (chr19:12,658,469-12,658,473); duplicating any one gives the same sequence. VCF-style (leftmost placement, unchanged base first): chr19-12658468-C-CG. GRCh37 (hg19) VCF-style: chr19-12769282-C-CG.
Other names: c.1065dup, p.Ala356fs (NM_001173498.2); short protein forms A357fs, A356fs.
Identifiers: ClinVar variation 850839 (VCV000850839.10), dbSNP rs2024028589, ClinGen allele CA916083681.